The following is an entry in ClinVar:

ClinVar aggregate classification (germline): Uncertain significance (1 of 4 stars; one submission).

Conditions:
Malignant hyperthermia, susceptibility to, 1 (MHS1). Also called: Anesthesia related hyperthermia; Malignant hyperpyrexia; Fulminating hyperpyrexia; Pharmacogenic myopathy; RYR1-Related Malignant Hyperthermia Susceptibility; Malignant hyperthermia suceptibility 1. Identifiers: Orphanet 423, MedGen C2930980, MONDO:0007783, OMIM 145600.

Allele frequency attached by ClinVar (database versions not stated): gnomAD exomes below 0.00001; gnomAD 0.00001; ExAC 0.00002; TOPMed 0.00002; 1000 Genomes Project 0.00020; 1000 Genomes Project 30x 0.00031.
gnomAD v4.1: 4 of 1,613,820 alleles (0.00025%); highest among the groups gnomAD compares: African/African-American, 0.004%; no homozygotes.

Submission:

All of Us Research Program, National Institutes of Health
Classification: Uncertain significance for Malignant hyperthermia, susceptibility to, 1. Last evaluated: 2023-07-10. Review status: criteria provided, single submitter. Criteria: ACMG Guidelines, 2015. Collection method: clinical testing. Allele origin: germline. Inheritance: Autosomal dominant inheritance. Observed: 1 variant allele, 1 heterozygote.
Comment: This variant causes a G to A nucleotide substitution at the +6 position of intron 74 of the RYR1 gene. To our knowledge, RNA studies have not been reported for this variant. This variant has not been reported in individuals affected with RYR1-related disorders in the literature. This variant has not been identified in the general population by the Genome Aggregation Database (gnomAD). The available evidence is insufficient to determine the role of this variant in disease conclusively. Therefore, this variant is classified as a Variant of Uncertain Significance.

This study involves interpretation of variants in research participants for the purpose of population health screening. Participant phenotype was not available at the time of variant classification. Additional details can be found in publication PMID: 35346344, PMCID: PMC8962531

NM_000540.3(RYR1):c.10937+6G>A

Gene: RYR1 (ryanodine receptor 1; plus strand). Cytogenetic location: 19q13.2.
Variant type: single nucleotide variant.
Coding change: c.10937+6G>A on transcript NM_000540.3 (MANE Select); 6 bases into the intron after coding-DNA position 10937, G replaced by A.
Molecular consequence: intron variant.
Genome position (GRCh38, 1-based): chr19:38,528,424, G>A. VCF-style: chr19-38528424-G-A. GRCh37 (hg19) VCF-style: chr19-39019064-G-A.
Other names: c.10922+6G>A (NM_001042723.2).
Identifiers: ClinVar variation 3072393 (VCV003072393.1), dbSNP rs200073458, ClinGen allele CA055300.